The following is an entry in ClinVar:

ClinVar aggregate classification (germline): Uncertain significance (1 of 4 stars; one submission).

Conditions:
Global developmental delay with or without impaired intellectual development. Identifiers: MedGen C5193032, MONDO:0032680, OMIM 618330.

Submission:

Illumina Laboratory Services, Illumina
Classification: Uncertain significance for Global developmental delay with or without impaired intellectual development. Last evaluated: 2023-12-08. Review status: criteria provided, single submitter. Criteria: ISL SNV Classification Criteria 03 February 2026. Collection method: clinical testing. Allele origin: unknown.
Comment: The CUX1 c.4088G>C p.(Arg1363Pro) missense variant has not, to our knowledge, been reported in the peer-reviewed literature. This variant is not observed in version 2.1.1 or version 4.0.0 of the Genome Aggregation Database. Missense variants are not the typical mechanism of disease but have been reported (PMID: 37644171). Based on the available evidence, the c.4088G>C p.(Arg1363Pro) variant is classified as a variant of uncertain significance for global developmental delay with or without impaired intellectual development.

Literature cited by the submitters: PubMed 37644171.

NM_181552.4(CUX1):c.4088G>C (p.Arg1363Pro)

Gene: CUX1 (cut like homeobox 1; plus strand). Cytogenetic location: 7q22.1.
Variant type: single nucleotide variant.
Coding change: c.4088G>C on transcript NM_181552.4 (MANE Select); coding-DNA position 4088, G replaced by C.
Protein change: p.Arg1363Pro; replaces arginine 1363 with proline.
Molecular consequence: missense variant. On other transcripts: intron variant (5).
Genome position (GRCh38, 1-based): chr7:102,248,612, G>C. VCF-style: chr7-102248612-G-C. GRCh37 (hg19) VCF-style: chr7-101891892-G-C.
Other names: c.4121G>C, p.Arg1374Pro (NM_001202543.2); c.1256-24754G>C (NM_001913.5); c.1250-24754G>C (NM_181500.4); c.1118-24754G>C (NM_001202545.3); c.1208-24754G>C (NM_001202544.3); c.1139-24754G>C (NM_001202546.3); short protein forms R1363P, R1374P.
Identifiers: ClinVar variation 4759460 (VCV004759460.1).
Genomic context (GRCh38, chr7:102,248,612, plus strand): 5'-CCACTGAGGGCCCAGGCAGCGCCGACACCGAGGAGCCCAAGTCTCAGGGAGAGGCCGAGC[G>C]GGAGGAGGTGCCGCGGCCGGCGGAGCAGACGGAGCCGCCGCCCTCGGGGACCCCGGGCCC-3'
Protein context (NP_853530.2, residues 1353-1373): EEPKSQGEAE[Arg1363Pro]EEVPRPAEQT